The following is an entry in ClinVar:

ClinVar aggregate classification (germline): Uncertain significance (1 of 4 stars; one submission).

Conditions:
Werner syndrome (WRN). Identifiers: Orphanet 902, MedGen C0043119, MONDO:0010196, OMIM 277700.

Submission:

Labcorp Genetics (formerly Invitae), Labcorp
Classification: Uncertain significance for Werner syndrome. Last evaluated: 2019-11-09. Review status: criteria provided, single submitter. Criteria: Invitae Variant Classification Sherloc (09022015). Collection method: clinical testing. Allele origin: germline.
Comment: In summary, the available evidence is currently insufficient to determine the role of this variant in disease. Therefore, it has been classified as a Variant of Uncertain Significance. Algorithms developed to predict the effect of missense changes on protein structure and function are either unavailable or do not agree on the potential impact of this missense change (SIFT: "Deleterious"; PolyPhen-2: "Possibly Damaging"; Align-GVGD: "Class C0"). This variant has not been reported in the literature in individuals with WRN-related disease. This variant is not present in population databases (ExAC no frequency). This sequence change replaces proline with arginine at codon 204 of the WRN protein (p.Pro204Arg). The proline residue is highly conserved and there is a moderate physicochemical difference between proline and arginine.

NM_000553.6(WRN):c.611C>G (p.Pro204Arg)

Gene: WRN (WRN RecQ like helicase; plus strand). Cytogenetic location: 8p12.
Variant type: single nucleotide variant.
Coding change: c.611C>G on transcript NM_000553.6 (MANE Select); coding-DNA position 611, C replaced by G.
Protein change: p.Pro204Arg; replaces proline 204 with arginine.
Molecular consequence: missense variant.
Genome position (GRCh38, 1-based): chr8:31,067,139, C>G. VCF-style: chr8-31067139-C-G. GRCh37 (hg19) VCF-style: chr8-30924655-C-G.
Other names: short protein forms P204R.
Identifiers: ClinVar variation 650211 (VCV000650211.6), dbSNP rs1563331362, ClinGen allele CA370916270.